The following is an entry in ClinVar:

ClinVar aggregate classification (germline): Pathogenic (1 of 4 stars; one submission).

Submission:

Labcorp Genetics (formerly Invitae), Labcorp
Classification: Pathogenic. Last evaluated: 2021-03-31. Review status: criteria provided, single submitter. Criteria: Invitae Variant Classification Sherloc (09022015). Collection method: clinical testing. Allele origin: germline.
Comment: For these reasons, this variant has been classified as Pathogenic. This variant has not been reported in the literature in individuals with CARMIL2-related conditions. This variant is not present in population databases (ExAC no frequency). This sequence change creates a premature translational stop signal (p.Ala112Glnfs*96) in the CARMIL2 gene. It is expected to result in an absent or disrupted protein product. Loss-of-function variants in CARMIL2 are known to be pathogenic (PMID: 27647349, 28112205).

Literature cited by the submitters: PubMed 27647349; PubMed 28112205.

NM_001013838.3(CARMIL2):c.334_337del (p.Ala112fs)

Gene: CARMIL2 (capping protein regulator and myosin 1 linker 2; plus strand). Cytogenetic location: 16q22.1.
Variant type: Deletion.
Coding change: c.334_337del on transcript NM_001013838.3 (MANE Select); coding-DNA positions 334 to 337, 4 bases deleted (GCTG; older notation c.334_337delGCTG).
Protein change: p.Ala112fs; shifts the reading frame from alanine 112.
Molecular consequence: frameshift variant.
Genome position (GRCh38, 1-based): chr16:67,646,270-67,646,273, GCTG deleted; deleting any 4 consecutive bases within chr16:67,646,268-67,646,273 gives the same sequence; the c. name uses the placement nearest the transcript's 3' end. VCF-style (leftmost placement, unchanged base first): chr16-67646267-GTGGC-G. GRCh37 (hg19) VCF-style: chr16-67680170-GTGGC-G.
Other names: c.334_337del, p.Ala112fs (NM_001317026.3); short protein forms A112fs.
Identifiers: ClinVar variation 1387358 (VCV001387358.6), dbSNP rs2142909875, ClinGen allele CA2573152545.
Genomic context (GRCh38, chr16:67,646,267, plus strand): 5'-CTGCGTGAGCTGGTCCTGGAGTTTCCTGGTGTGGCCGCCCTGGAACAGCTGGCCCAGCAC[GTGGC>G]TGCAGCCATCAAGAAGGTCTTCCCTCGCTCGACCCTTGGGTGAGGCCTGGCAAATTCGAG-3'